The following is an entry in ClinVar:

NM_004787.4(SLIT2):c.275G>A (p.Ser92Asn)

Gene: SLIT2 (slit guidance ligand 2; plus strand). Cytogenetic location: 4p15.31.
Variant type: single nucleotide variant.
Coding change: c.275G>A on transcript NM_004787.4 (MANE Select); coding-DNA position 275, G replaced by A.
Protein change: p.Ser92Asn; replaces serine 92 with asparagine.
Molecular consequence: missense variant.
Genome position (GRCh38, 1-based): chr4:20,257,891, G>A. VCF-style: chr4-20257891-G-A. GRCh37 (hg19) VCF-style: chr4-20259514-G-A.
Other names: c.275G>A, p.Ser92Asn (NM_001289135.3, NM_001289136.3); short protein forms S92N.
Identifiers: ClinVar variation 745030 (VCV000745030.10), dbSNP rs142539260, ClinGen allele CA2871028.

ClinVar aggregate classification (germline): Likely benign. Review status: criteria provided, single submitter (1 of 4 stars). 2 submissions from 2 submitters: Likely benign (1). 1 of the submissions does not count toward it. Last evaluated 2025-09-19.

Conditions:
SLIT2-related disorder. Also called: SLIT2-related condition.

Allele frequency attached by ClinVar (database versions not stated): gnomAD exomes 0.00016 and 0.00047; ExAC 0.00050; 1000 Genomes Project 30x 0.00109; 1000 Genomes Project 0.00140; gnomAD 0.00177 and 0.00191; ESP Exome Variant Server 0.00200; TOPMed 0.00210.
gnomAD v4.1: 518 of 1,571,970 alleles (0.033%); highest among the groups gnomAD compares: African/African-American, 0.6%; 6 homozygotes.

Submissions (2):

Labcorp Genetics (formerly Invitae), Labcorp
Classification: Likely benign. Last evaluated: 2025-09-19. Review status: criteria provided, single submitter. Criteria: Invitae Variant Classification Sherloc (09022015). Collection method: clinical testing. Allele origin: germline.

PreventionGenetics, part of Exact Sciences
Classification: Likely benign for SLIT2-related condition. Last evaluated: 2020-01-23. Review status: no assertion criteria provided. Collection method: clinical testing. Allele origin: germline. Not counted in ClinVar's aggregate classification.
Comment: This variant is classified as likely benign based on ACMG/AMP sequence variant interpretation guidelines (Richards et al. 2015 PMID: 25741868, with internal and published modifications).